The following is an entry in ClinVar:

NM_032040.5(CCDC8):c.818C>T (p.Ser273Phe)

Gene: CCDC8 (coiled-coil domain containing 8 subunit of 3M complex; minus strand). Cytogenetic location: 19q13.32.
Variant type: single nucleotide variant.
Coding change: c.818C>T on transcript NM_032040.5 (MANE Select); coding-DNA position 818, C replaced by T.
Protein change: p.Ser273Phe; replaces serine 273 with phenylalanine.
Molecular consequence: missense variant.
Genome position (GRCh38, 1-based): chr19:46,411,993, G>A on the plus strand (C>T on the coding strand, the complement: CCDC8 is on the minus strand). VCF-style: chr19-46411993-G-A. GRCh37 (hg19) VCF-style: chr19-46915250-G-A.
Other names: c.818C>T (NM_032040.3); short protein forms S273F.
Identifiers: ClinVar variation 816924 (VCV000816924.10), dbSNP rs145652080, ClinGen allele CA9528625.
Genomic context (GRCh38, chr19:46,411,993, plus strand): 5'-GCCTCGATGTCTGCCCCCTGACCTGTGGGTGCTGTCTGCTCCTTCCTGCGGCGCCGAAAG[G>A]AGGCCCAGTTGATCTTGGGCCTCCATCGCCTAGGGGAAGCCTGGGGCACACAAACATCTC-3'
Protein context (NP_114429.2, residues 263-283): RRWRPKINWA[Ser273Phe]FRRRRKEQTA

ClinVar aggregate classification (germline): Uncertain significance. Review status: criteria provided, multiple submitters, no conflicts (2 of 4 stars). 5 submissions from 5 submitters: Uncertain significance (5). Last evaluated 2026-02-04.

Conditions:
Inborn genetic diseases. Identifiers: MedGen C0950123, MeSH D030342.
Immunodeficiency. Identifiers: MedGen C0021051, MONDO:0021094, HP:0002721.

Allele frequency attached by ClinVar (database versions not stated): gnomAD 0.00004 and 0.00007; ESP Exome Variant Server 0.00008; gnomAD exomes 0.00008 and 0.00011; ExAC 0.00009; TOPMed 0.00010.
gnomAD v4.1: 183 of 1,606,950 alleles (0.011%); highest among the groups gnomAD compares: Middle Eastern, 0.33%; 1 homozygote.

Submissions (5):

Women's Health and Genetics/Laboratory Corporation of America, LabCorp
Classification: Uncertain significance. Last evaluated: 2026-02-04. Review status: criteria provided, single submitter. Criteria: LabCorp Variant Classification Summary - May 2015. Collection method: clinical testing. Allele origin: germline.
Comment: Variant summary: CCDC8 c.818C>T (p.Ser273Phe) results in a non-conservative amino acid change in the encoded protein sequence. Algorithms developed to predict the effect of missense changes on protein structure and function are either unavailable or do not agree on the potential impact of this missense change. The variant allele was found at a frequency of 7.7e-05 in 245792 control chromosomes. This frequency is not significantly higher than estimated for disease-causing variants in CCDC8, allowing no conclusion about variant significance. To our knowledge, no occurrence of c.818C>T in individuals affected with CCDC8-related conditions and no experimental evidence demonstrating its impact on protein function have been reported. ClinVar contains an entry for this variant (Variation ID: 816924). Based on the evidence outlined above, the variant was classified as uncertain significance.

Labcorp Genetics (formerly Invitae), Labcorp
Classification: Uncertain significance. Last evaluated: 2024-01-29. Review status: criteria provided, single submitter. Criteria: Invitae Variant Classification Sherloc (09022015). Collection method: clinical testing. Allele origin: germline.
Comment: This sequence change replaces serine, which is neutral and polar, with phenylalanine, which is neutral and non-polar, at codon 273 of the CCDC8 protein (p.Ser273Phe). This variant is present in population databases (rs145652080, gnomAD 0.01%). This variant has not been reported in the literature in individuals affected with CCDC8-related conditions. ClinVar contains an entry for this variant (Variation ID: 816924). An algorithm developed to predict the effect of missense changes on protein structure and function (PolyPhen-2) suggests that this variant is likely to be disruptive. In summary, the available evidence is currently insufficient to determine the role of this variant in disease. Therefore, it has been classified as a Variant of Uncertain Significance.

Ambry Genetics
Classification: Uncertain significance for Inborn genetic diseases. Last evaluated: 2021-09-30. Review status: criteria provided, single submitter. Criteria: Ambry Variant Classification Scheme 2023. Collection method: clinical testing. Allele origin: germline.

Genomic Medicine Lab, University of California San Francisco
Classification: Uncertain significance for Immunodeficiency. Last evaluated: 2018-12-20. Review status: criteria provided, single submitter. Criteria: ACMG Guidelines, 2015. Collection method: clinical testing. Allele origin: inherited. Inheritance: Autosomal recessive inheritance. Study: CSER.

Breakthrough Genomics
Classification: Uncertain significance. Review status: criteria provided, single submitter. Criteria: ACMG Guidelines, 2015. Collection method: not provided. Allele origin: germline. Inheritance: Autosomal dominant inheritance. Affected: yes.